The following is an entry in ClinVar:

NM_000091.5(COL4A3):c.870T>C (p.Pro290=)

Genes: COL4A3 (collagen type IV alpha 3 chain; plus strand), MFF-DT (MFF divergent transcript; minus strand). Cytogenetic location: 2q36.3.
Variant type: single nucleotide variant.
Coding change: c.870T>C on transcript NM_000091.5 (MANE Select); coding-DNA position 870, T replaced by C.
Protein change: p.Pro290=; no amino-acid change (proline 290 retained).
Molecular consequence: synonymous variant.
Genome position (GRCh38, 1-based): chr2:227,254,697, T>C. VCF-style: chr2-227254697-T-C. GRCh37 (hg19) VCF-style: chr2-228119413-T-C.
Identifiers: ClinVar variation 898947 (VCV000898947.14), dbSNP rs373130348, ClinGen allele CA2146401.

ClinVar aggregate classification (germline): Conflicting classifications of pathogenicity. Review status: criteria provided, conflicting classifications (1 of 4 stars). 5 submissions from 5 submitters: Uncertain significance (1); Likely benign (3). 1 of the submissions does not count toward it. Last evaluated 2026-01-26.

Conditions:
COL4A3-related disorder. Also called: COL4A3-related condition; COL4A3-Related Disorders.
Alport syndrome. Also called: Hemorrhagic familial nephritis; Hemorrhagic hereditary nephritis; Congenital hereditary hematuria. Identifiers: Orphanet 63, MedGen C1567741, MONDO:0018965.

Allele frequency attached by ClinVar (database versions not stated): ExAC 0.00002; gnomAD exomes 0.00002 and 0.00004; gnomAD 0.00004; TOPMed 0.00005; ESP Exome Variant Server 0.00008.
gnomAD v4.1: 30 of 1,613,158 alleles (0.0019%); highest among the groups gnomAD compares: Middle Eastern, 0.033%; no homozygotes.

Submissions (5):

Labcorp Genetics (formerly Invitae), Labcorp
Classification: Likely benign. Last evaluated: 2026-01-26. Review status: criteria provided, single submitter. Criteria: Invitae Variant Classification Sherloc (09022015). Collection method: clinical testing. Allele origin: germline.

PreventionGenetics, part of Exact Sciences
Classification: Likely benign for COL4A3-related condition. Last evaluated: 2025-06-30. Review status: criteria provided, single submitter. Criteria: ACMG Guidelines, 2015. Collection method: clinical testing. Allele origin: germline.
Comment: This variant is classified as likely benign based on ACMG/AMP sequence variant interpretation guidelines (Richards et al. 2015 PMID: 25741868, with internal and published modifications).

Blueprint Genetics
Classification: Likely benign. Last evaluated: 2023-09-20. Review status: criteria provided, single submitter. Criteria: ACMG Guidelines, 2015. Collection method: clinical testing. Allele origin: germline.

Illumina Laboratory Services, Illumina
Classification: Uncertain significance for Alport syndrome. Last evaluated: 2018-01-12. Review status: criteria provided, single submitter. Criteria: ICSL Variant Classification Criteria 13 December 2019. Collection method: clinical testing. Allele origin: germline.

Natera, Inc.
Classification: Uncertain significance for Alport syndrome. Last evaluated: 2020-09-21. Review status: no assertion criteria provided. Collection method: clinical testing. Allele origin: germline. Not counted in ClinVar's aggregate classification.